The following is an entry in ClinVar:

ClinVar aggregate classification (germline): Likely benign. Review status: criteria provided, multiple submitters, no conflicts (2 of 4 stars). 10 submissions from 10 submitters: Likely benign (7). 3 of the submissions do not count toward it. Last evaluated 2026-01-28.

Allele frequency attached by ClinVar (database versions not stated): 1000 Genomes Project 0.00020; 1000 Genomes Project 30x 0.00031; gnomAD 0.00044 and 0.00045; ESP Exome Variant Server 0.00051; gnomAD exomes 0.00051; ExAC 0.00054; TOPMed 0.00061.
gnomAD v4.1: 703 of 1,614,044 alleles (0.044%); highest among the groups gnomAD compares: Middle Eastern, 0.96%; 3 homozygotes.

Submissions (10):

Labcorp Genetics (formerly Invitae), Labcorp
Classification: Likely benign. Last evaluated: 2026-01-28. Review status: criteria provided, single submitter. Criteria: Invitae Variant Classification Sherloc (09022015). Collection method: clinical testing. Allele origin: germline.

CeGaT Center for Human Genetics Tuebingen
Classification: Likely benign. Last evaluated: 2025-06-01. Review status: criteria provided, single submitter. Criteria: CeGaT Center For Human Genetics Tuebingen Variant Classification Criteria Version 2. Collection method: clinical testing. Allele origin: germline. Affected: yes. Observed: 3 variant alleles.
Comment: COL4A3: BP4, BP7

Blueprint Genetics
Classification: Likely benign. Last evaluated: 2024-10-23. Review status: criteria provided, single submitter. Criteria: ACMG Guidelines, 2015. Collection method: clinical testing. Allele origin: germline.

GeneDx
Classification: Likely benign. Last evaluated: 2020-11-02. Review status: criteria provided, single submitter. Criteria: GeneDx Variant Classification Process June 2021. Collection method: clinical testing. Allele origin: germline. Affected: yes.

Laboratory for Molecular Medicine, Mass General Brigham Personalized Medicine
Classification: Likely benign. Last evaluated: 2017-08-23. Review status: criteria provided, single submitter. Criteria: LMM Criteria. Collection method: clinical testing. Allele origin: germline. Observed: 1 variant allele.
Comment: p.Pro942Pro in exon 34 of COL4A3: This variant is not expected to have clinical significance because it does not alter an amino acid residue and is not located within the splice consensus sequence. It has been identified in 0.16% (18/11406) of Latino chromosomes by the Exome Aggregation Consortium (ExAC; dbSNP rs201064766).

Athena Diagnostics
Classification: Likely benign. Last evaluated: 2016-11-22. Review status: criteria provided, single submitter. Criteria: Athena Diagnostics Criteria. Collection method: clinical testing. Allele origin: germline.

Breakthrough Genomics
Classification: Likely benign. Review status: criteria provided, single submitter. Criteria: ACMG Guidelines, 2015. Collection method: not provided. Allele origin: germline. Inheritance: Autosomal recessive inheritance. Affected: yes.

Clinical Genetics DNA and cytogenetics Diagnostics Lab, Erasmus MC, Erasmus Medical Center
Classification: Likely benign. Review status: no assertion criteria provided. Collection method: clinical testing. Allele origin: germline. Affected: yes. Study: VKGL Data-share Consensus. Not counted in ClinVar's aggregate classification.

Genome Diagnostics Laboratory, University Medical Center Utrecht
Classification: Likely benign. Review status: no assertion criteria provided. Collection method: clinical testing. Allele origin: germline. Affected: yes. Study: VKGL Data-share Consensus. Not counted in ClinVar's aggregate classification.

Joint Genome Diagnostic Labs from Nijmegen and Maastricht, Radboudumc and MUMC+
Classification: Likely benign. Review status: no assertion criteria provided. Collection method: clinical testing. Allele origin: germline. Affected: yes. Study: VKGL Data-share Consensus. Not counted in ClinVar's aggregate classification.

Literature cited by the submitters: PubMed 12028435 (cited by Athena Diagnostics).

NM_000091.5(COL4A3):c.2826C>T (p.Pro942=)

Genes: COL4A3 (collagen type IV alpha 3 chain; plus strand), MFF-DT (MFF divergent transcript; minus strand). Cytogenetic location: 2q36.3.
Variant type: single nucleotide variant.
Coding change: c.2826C>T on transcript NM_000091.5 (MANE Select); coding-DNA position 2826, C replaced by T.
Protein change: p.Pro942=; no amino-acid change (proline 942 retained).
Molecular consequence: synonymous variant.
Genome position (GRCh38, 1-based): chr2:227,284,290, C>T. VCF-style: chr2-227284290-C-T. GRCh37 (hg19) VCF-style: chr2-228149006-C-T.
Identifiers: ClinVar variation 447170 (VCV000447170.46), dbSNP rs201064766, ClinGen allele CA2147034.